The following is an entry in ClinVar:

NM_004393.6(DAG1):c.2256C>T (p.His752=)

Gene: DAG1 (dystroglycan 1; plus strand). Cytogenetic location: 3p21.31.
Variant type: single nucleotide variant.
Coding change: c.2256C>T on transcript NM_004393.6 (MANE Select); coding-DNA position 2256, C replaced by T.
Protein change: p.His752=; no amino-acid change (histidine 752 retained).
Molecular consequence: synonymous variant.
Genome position (GRCh38, 1-based): chr3:49,532,767, C>T. VCF-style: chr3-49532767-C-T. GRCh37 (hg19) VCF-style: chr3-49570200-C-T.
Other names: p.His752=; c.2256C>T, p.His752= (NM_001165928.4, NM_001177634.3, NM_001177635.3 and 9 more transcripts).
Identifiers: ClinVar variation 31755 (VCV000031755.25), dbSNP rs1801143, ClinGen allele CA152545.
Genomic context (GRCh38, chr3:49,532,767, plus strand): 5'-GCCCACAGAAGTGCCTGACAGGGACCCTGAGAAGAGCAGTGAGGATGATGTCTACCTGCA[C>T]ACAGTCATTCCGGCCGTGGTGGTCGCAGCCATCCTGCTCATTGCTGGCATCATTGCCATG-3'
Protein context (NP_004384.5, residues 742-762): EKSSEDDVYL[His752=]TVIPAVVVAA

ClinVar aggregate classification (germline): Benign. Review status: criteria provided, multiple submitters, no conflicts (2 of 4 stars). 11 submissions from 11 submitters: Benign (7). 4 of the submissions do not count toward it. Last evaluated 2026-02-03.

Conditions:
Muscular dystrophy-dystroglycanopathy (congenital with brain and eye anomalies), type A9. Also called: WALKER-WARBURG SYNDROME OR MUSCLE-EYE BRAIN DISEASE, DAG1-RELATED; Muscular dystrophy-dystroglycanopathy (congenital with brain and eye anomalies), type a, 9. Identifiers: Orphanet 370997, Orphanet 899, MedGen C4225291, MONDO:0014683, OMIM 616538.
Autosomal recessive limb-girdle muscular dystrophy type 2P. Also called: MUSCULAR DYSTROPHY-DYSTROGLYCANOPATHY, LIMB-GIRDLE, DAG1-RELATED; MUSCULAR DYSTROPHY, LIMB-GIRDLE, TYPE 2P; Limb-Girdle Muscular Dystrophy Type 9C. Identifiers: Orphanet 280333, MedGen C4511963, MONDO:0013440, OMIM 613818.

Allele frequency attached by ClinVar (database versions not stated): 1000 Genomes Project 30x 0.21830; gnomAD exomes 0.27857 and 0.29806; gnomAD 0.29595 and 0.30176; ESP Exome Variant Server 0.30563; TOPMed 0.27509; ExAC 0.27755; 1000 Genomes Project 0.21585.

Submissions (11):

Labcorp Genetics (formerly Invitae), Labcorp
Classification: Benign for Autosomal recessive limb-girdle muscular dystrophy type 2P; Muscular dystrophy-dystroglycanopathy (congenital with brain and eye anomalies), type A9. Last evaluated: 2026-02-03. Review status: criteria provided, single submitter. Criteria: Invitae Variant Classification Sherloc (09022015). Collection method: clinical testing. Allele origin: germline.

Genome-Nilou Lab
Classification: Benign for Autosomal recessive limb-girdle muscular dystrophy type 2P. Last evaluated: 2021-07-30. Review status: criteria provided, single submitter. Criteria: ACMG Guidelines, 2015. Collection method: clinical testing. Allele origin: germline. Affected: no.

Mayo Clinic Laboratories, Mayo Clinic
Classification: Benign. Last evaluated: 2017-07-25. Review status: criteria provided, single submitter. Criteria: ACMG Guidelines, 2015. Collection method: clinical testing. Allele origin: germline. Observed: 342 variant alleles.

GeneDx
Classification: Benign. Last evaluated: 2016-01-05. Review status: criteria provided, single submitter. Criteria: GeneDx Variant Classification (06012015). Collection method: clinical testing. Allele origin: germline. Affected: yes.
Comment: This variant is considered likely benign or benign based on one or more of the following criteria: it is a conservative change, it occurs at a poorly conserved position in the protein, it is predicted to be benign by multiple in silico algorithms, and/or has population frequency not consistent with disease.

Laboratory for Molecular Medicine, Mass General Brigham Personalized Medicine
Classification: Benign. Last evaluated: 2014-10-29. Review status: criteria provided, single submitter. Criteria: LMM Criteria. Collection method: clinical testing. Allele origin: germline. Observed: 7 variant alleles.
Comment: p.His752His in exon 6C of DAG1: This variant is not expected to have clinical si gnificance because it has been identified in 31% (2699/8600) of European America n chromosomes by the NHLBI Exome Sequencing Project (u/EVS/; dbSNP rs1801143).

Breakthrough Genomics
Classification: Benign. Review status: criteria provided, single submitter. Criteria: ACMG Guidelines, 2015. Collection method: not provided. Allele origin: germline. Inheritance: Autosomal recessive inheritance. Affected: yes.

PreventionGenetics, part of Exact Sciences
Classification: Benign. Review status: criteria provided, single submitter. Criteria: ACMG Guidelines, 2015. Collection method: clinical testing. Allele origin: germline.

Leiden Muscular Dystrophy (DAG1)
No classification provided. Last evaluated: 2011-05-13. Review status: no classification provided. Collection method: curation. Allele origin: unknown. Not counted in ClinVar's aggregate classification.

Clinical Genetics, Academic Medical Center
Classification: Benign. Review status: no assertion criteria provided. Collection method: clinical testing. Allele origin: germline. Affected: yes. Study: VKGL Data-share Consensus. Not counted in ClinVar's aggregate classification.

Diagnostic Laboratory, Department of Genetics, University Medical Center Groningen
Classification: Benign for Autosomal recessive limb-girdle muscular dystrophy type 2P. Review status: no assertion criteria provided. Collection method: clinical testing. Allele origin: germline. Affected: yes. Study: VKGL Data-share Consensus. Not counted in ClinVar's aggregate classification.

Genetic Services Laboratory, University of Chicago
Classification: Likely benign for AllHighlyPenetrant. Review status: no assertion criteria provided. Collection method: clinical testing. Allele origin: germline. Inheritance: Autosomal recessive inheritance. Not counted in ClinVar's aggregate classification.
Comment: Likely benign based on allele frequency in 1000 Genomes Project or ESP global frequency and its presence in a patient with a rare or unrelated disease phenotype. NOT Sanger confirmed.